The following is an entry in ClinVar:

NC_000001.11:g.45331557del

Gene: MUTYH (mutY DNA glycosylase; minus strand). Cytogenetic location: 1p34.1.
Variant type: Deletion.
Genome position: GRCh38 VCF-style: chr1-45331555-AC-A. GRCh37 (hg19) VCF-style: chr1-45797227-AC-A.
Identifiers: ClinVar variation 3076031 (VCV003076031.1), dbSNP rs2523972711, ClinGen allele CA913187578.

ClinVar aggregate classification (germline): Likely pathogenic (1 of 4 stars; one submission).

Conditions:
Familial adenomatous polyposis 2. Also called: COLORECTAL ADENOMATOUS POLYPOSIS, AUTOSOMAL RECESSIVE; ADENOMAS, MULTIPLE COLORECTAL, AUTOSOMAL RECESSIVE; MYH-associated polyposis; MUTYH-associated polyposis; MUTYH-related attenuated familial adenomatous polyposis; MUTYH Polyposis. Identifiers: Orphanet 220460, Orphanet 247798, MedGen C3272841, MONDO:0012041, OMIM 608456.

Submission:

Laboratory for Molecular Medicine, Mass General Brigham Personalized Medicine
Classification: Likely pathogenic for Familial adenomatous polyposis 2. Last evaluated: 2017-08-06. Review status: criteria provided, single submitter. Criteria: ACMG Guidelines, 2015. Collection method: clinical testing. Allele origin: germline. Inheritance: Autosomal recessive inheritance.
Comment: The p.Gly396fs variant in MUTYH has not been previously reported in individuals with colorectal cancer and was absent from large population studies. This variant is predicted to cause a frameshift, which alters the protein’s amino acid sequence beginning at position 396 and leads to a premature termination codon 12 amino acids downstream. This alteration is then predicted to lead to a truncated or absent protein. Biallelic loss of function of the MUTYH gene is an established disease mechanism in recessive MUTYH-associated polyposis, however heterozygous pathogenic variants may increase the risk for the development of colorectal cancer. In summary, this variant meets criteria to be classified as likely pathogenic for colorectal cancer in an autosomal recessive manner based upon the predicted impact to the protein.